The following is an entry in ClinVar:

NM_024884.3(L2HGDH):c.802G>T (p.Glu268Ter)

Gene: L2HGDH (L-2-hydroxyglutarate dehydrogenase; minus strand). Cytogenetic location: 14q21.3.
Variant type: single nucleotide variant.
Coding change: c.802G>T on transcript NM_024884.3 (MANE Select); coding-DNA position 802, G replaced by T.
Protein change: p.Glu268Ter; replaces glutamic acid 268 with a stop codon.
Molecular consequence: nonsense.
Genome position (GRCh38, 1-based): chr14:50,269,267, C>A on the plus strand (G>T on the coding strand, the complement: L2HGDH is on the minus strand). VCF-style: chr14-50269267-C-A. GRCh37 (hg19) VCF-style: chr14-50735985-C-A.
Other names: c.802G>T, p.Glu268Ter (NM_001425212.1); c.691G>T, p.Glu231Ter (NM_001425213.1, NM_001425214.1); c.256G>T, p.Glu86Ter (NM_001425215.1, NM_001425216.1, NM_001425217.1 and 1 more transcripts); short protein forms E231*, E86*, E268*.
Identifiers: ClinVar variation 3721504 (VCV003721504.2).

ClinVar aggregate classification (germline): Pathogenic (1 of 4 stars; one submission).

Conditions:
L-2-hydroxyglutaric aciduria (L2HGA). Identifiers: Orphanet 79314, MedGen C1855995, MONDO:0009370, OMIM 236792, HP:0040144.

Submission:

Labcorp Genetics (formerly Invitae), Labcorp
Classification: Pathogenic for L-2-hydroxyglutaric aciduria. Last evaluated: 2024-11-19. Review status: criteria provided, single submitter. Criteria: Invitae Variant Classification Sherloc (09022015). Collection method: clinical testing. Allele origin: germline.
Comment: This sequence change creates a premature translational stop signal (p.Glu268*) in the L2HGDH gene. It is expected to result in an absent or disrupted protein product. Loss-of-function variants in L2HGDH are known to be pathogenic (PMID: 16134148, 20052767). This variant is not present in population databases (gnomAD no frequency). This premature translational stop signal has been observed in individual(s) with L-2-hydroxyglutaric aciduria (PMID: 8415700). For these reasons, this variant has been classified as Pathogenic.

Literature cited by the submitters: PubMed 16134148; PubMed 20052767; PubMed 8415700.